The following is an entry in ClinVar:

NM_001042492.3(NF1):c.7668G>C (p.Arg2556Ser)

Gene: NF1 (neurofibromin 1; plus strand). Cytogenetic location: 17q11.2.
Variant type: single nucleotide variant.
Coding change: c.7668G>C on transcript NM_001042492.3 (MANE Select); coding-DNA position 7668, G replaced by C.
Protein change: p.Arg2556Ser; replaces arginine 2556 with serine.
Molecular consequence: missense variant.
Genome position (GRCh38, 1-based): chr17:31,356,512, G>C. VCF-style: chr17-31356512-G-C. GRCh37 (hg19) VCF-style: chr17-29683530-G-C.
Other names: c.7605G>C, p.Arg2535Ser (NM_000267.4); short protein forms R2535S, R2556S.
Identifiers: ClinVar variation 231226 (VCV000231226.9), dbSNP rs876659035, ClinGen allele CA10580417.

ClinVar aggregate classification (germline): Uncertain significance. Review status: criteria provided, multiple submitters, no conflicts (2 of 4 stars). 3 submissions from 2 submitters: Uncertain significance (3). Last evaluated 2025-09-03.

Conditions:
Cardiovascular phenotype. Identifiers: MedGen CN230736.
Hereditary cancer-predisposing syndrome. Also called: Hereditary Cancer Syndrome; Neoplastic Syndromes, Hereditary; Tumor predisposition; Hereditary neoplastic syndrome. Identifiers: Orphanet 140162, MedGen C0027672, MeSH D009386, MONDO:0015356.
Neurofibromatosis, type 1 (NF1). Also called: Neurofibromatosis, type I; VON RECKLINGHAUSEN DISEASE; NEUROFIBROMATOSIS, TYPE I, SOMATIC; Peripheral type neurofibromatosis. Identifiers: Orphanet 636, MedGen C0027831, MONDO:0018975, OMIM 162200. Disease mechanism: loss of function.

Allele frequency attached by ClinVar (database versions not stated): TOPMed below 0.00001; gnomAD 0.00001.
gnomAD v4.1: 1 of 1,613,620 alleles (0.000062%); highest among the groups gnomAD compares: African/African-American, 0.0013%; no homozygotes.

Submissions (3):

Labcorp Genetics (formerly Invitae), Labcorp
Classification: Uncertain significance for Neurofibromatosis, type 1. Last evaluated: 2025-09-03. Review status: criteria provided, single submitter. Criteria: Invitae Variant Classification Sherloc (09022015). Collection method: clinical testing. Allele origin: germline.
Comment: This sequence change replaces arginine, which is basic and polar, with serine, which is neutral and polar, at codon 2535 of the NF1 protein (p.Arg2535Ser). This variant is not present in population databases (gnomAD no frequency). This variant has not been reported in the literature in individuals affected with NF1-related conditions. ClinVar contains an entry for this variant (Variation ID: 231226). Invitae Evidence Modeling of protein sequence and biophysical properties (such as structural, functional, and spatial information, amino acid conservation, physicochemical variation, residue mobility, and thermodynamic stability) has been performed for this missense variant. However, the output from this modeling did not meet the statistical confidence thresholds required to predict the impact of this variant on NF1 protein function. In summary, the available evidence is currently insufficient to determine the role of this variant in disease. Therefore, it has been classified as a Variant of Uncertain Significance.

Ambry Genetics
Classification: Uncertain significance for Cardiovascular phenotype; Hereditary cancer-predisposing syndrome. Last evaluated: 2022-04-26. Review status: criteria provided, single submitter. Criteria: Ambry Variant Classification Scheme 2023. Collection method: clinical testing. Allele origin: germline.

Ambry Genetics
Classification: Uncertain significance for Hereditary cancer-predisposing syndrome. Last evaluated: 2015-04-08. Review status: criteria provided, single submitter. Criteria: Ambry Autosomal Dominant and X-Linked criteria (10/2015). Collection method: clinical testing. Allele origin: germline. Observed: 1 variant allele.
Comment: The p.R2556S variant (also known as c.7668G>C), located in coding exon 52 of the NF1 gene, results from a G to C substitution at nucleotide position 7668. The arginine at codon 2556 is replaced by serine, an amino acid with dissimilar properties. This variant was not reported in population based cohorts in the following databases: Database of Single Nucleotide Polymorphisms (dbSNP), NHLBI Exome Sequencing Project (ESP), and 1000 Genomes Project. In the ESP, this variant was not observed in 6503 samples (13006 alleles) with coverage at this position. To date, this alteration has been detected with an allele frequency of approximately 0.003% (greater than 30000 alleles tested) in our clinical cohort. This amino acid position is highly conserved in available vertebrate species. In addition, the in silico prediction for this alteration is inconclusive. Since supporting evidence is limited at this time, the clinical significance of p.R2556S remains unclear.